The following is an entry in ClinVar:

ClinVar aggregate classification (germline): Uncertain significance. Review status: criteria provided, multiple submitters, no conflicts (2 of 4 stars). 2 submissions from 2 submitters: Uncertain significance (2). Last evaluated 2026-03-27.

Conditions:
Inborn genetic diseases. Identifiers: MedGen C0950123, MeSH D030342.

Allele frequency attached by ClinVar (database versions not stated): ExAC 0.00001; gnomAD 0.00001; gnomAD exomes below 0.00001.
gnomAD v4.1: 3 of 1,614,016 alleles (0.00019%); highest among the groups gnomAD compares: Admixed American, 0.005%; no homozygotes.

Submissions (2):

Ambry Genetics
Classification: Uncertain significance for Inborn genetic diseases. Last evaluated: 2026-03-27. Review status: criteria provided, single submitter. Criteria: Ambry Variant Classification Scheme 2023. Collection method: clinical testing. Allele origin: germline.

GeneDx
Classification: Uncertain significance. Last evaluated: 2023-04-10. Review status: criteria provided, single submitter. Criteria: GeneDx Variant Classification Process June 2021. Collection method: clinical testing. Allele origin: germline. Affected: yes.
Comment: Not observed at significant frequency in large population cohorts (gnomAD); In silico analysis supports that this missense variant has a deleterious effect on protein structure/function; In silico analysis suggests this variant may impact gene splicing. In the absence of RNA/functional studies, the actual effect of this sequence change is unknown.; Has not been previously published as pathogenic or benign to our knowledge

NM_015057.5(MYCBP2):c.12125A>T (p.Asp4042Val)

Gene: MYCBP2 (MYC binding protein 2; minus strand). Cytogenetic location: 13q22.3.
Variant type: single nucleotide variant.
Coding change: c.12125A>T on transcript NM_015057.5 (MANE Select); coding-DNA position 12125, A replaced by T.
Protein change: p.Asp4042Val; replaces aspartic acid 4042 with valine.
Molecular consequence: missense variant.
Genome position (GRCh38, 1-based): chr13:77,068,611, T>A on the plus strand (A>T on the coding strand, the complement: MYCBP2 is on the minus strand). VCF-style: chr13-77068611-T-A. GRCh37 (hg19) VCF-style: chr13-77642746-T-A.
Other names: short protein forms D4042V.
Identifiers: ClinVar variation 2662609 (VCV002662609.2), dbSNP rs767010977, ClinGen allele CA7007956.